The following is an entry in ClinVar:

ClinVar aggregate classification (germline): Uncertain significance. Review status: criteria provided, multiple submitters, no conflicts (2 of 4 stars). 3 submissions from 3 submitters: Uncertain significance (3). Last evaluated 2024-08-19.

Allele frequency attached by ClinVar (database versions not stated): gnomAD 0.00001; gnomAD exomes 0.00003; TOPMed 0.00003; ESP Exome Variant Server 0.00008; ExAC 0.00012.
gnomAD v4.1: 42 of 1,613,576 alleles (0.0026%); highest among the groups gnomAD compares: Admixed American, 0.023%; no homozygotes.

Submissions (3):

GeneDx
Classification: Uncertain significance. Last evaluated: 2024-08-19. Review status: criteria provided, single submitter. Criteria: GeneDx Variant Classification Process June 2021. Collection method: clinical testing. Allele origin: germline. Affected: yes.
Comment: In silico analysis supports a deleterious effect on splicing; Has not been previously published as pathogenic or benign to our knowledge

Blueprint Genetics
Classification: Uncertain significance. Last evaluated: 2024-02-14. Review status: criteria provided, single submitter. Criteria: ACMG Guidelines, 2015. Collection method: clinical testing. Allele origin: germline.

Labcorp Genetics (formerly Invitae), Labcorp
Classification: Uncertain significance. Last evaluated: 2022-07-30. Review status: criteria provided, single submitter. Criteria: Invitae Variant Classification Sherloc (09022015). Collection method: clinical testing. Allele origin: germline.
Comment: This sequence change affects codon 579 of the DOCK6 mRNA. It is a 'silent' change, meaning that it does not change the encoded amino acid sequence of the DOCK6 protein. This variant is present in population databases (rs368911642, gnomAD 0.03%). This variant has not been reported in the literature in individuals affected with DOCK6-related conditions. Algorithms developed to predict the effect of sequence changes on RNA splicing suggest that this variant may disrupt the consensus splice site. In summary, the available evidence is currently insufficient to determine the role of this variant in disease. Therefore, it has been classified as a Variant of Uncertain Significance.

NM_020812.4(DOCK6):c.1737C>T (p.Gly579=)

Gene: DOCK6 (dedicator of cytokinesis 6; minus strand). Cytogenetic location: 19p13.2.
Variant type: single nucleotide variant.
Coding change: c.1737C>T on transcript NM_020812.4 (MANE Select); coding-DNA position 1737, C replaced by T.
Protein change: p.Gly579=; no amino-acid change (glycine 579 retained).
Molecular consequence: synonymous variant.
Genome position (GRCh38, 1-based): chr19:11,238,211, G>A on the plus strand (C>T on the coding strand, the complement: DOCK6 is on the minus strand). VCF-style: chr19-11238211-G-A. GRCh37 (hg19) VCF-style: chr19-11348887-G-A.
Other names: c.1737C>T, p.Gly579= (NM_001367830.1).
Identifiers: ClinVar variation 1930184 (VCV001930184.4), dbSNP rs368911642, ClinGen allele CA9207878.
Genomic context (GRCh38, chr19:11,238,211, plus strand): 5'-TGCCCTACCCCCCTTCCCTGGGGCACAGCCACTGACCGGCAGAGCCTGGCTGGGGTCCTC[G>A]CCTGTCATGTACTGCACTCGCACAGCAAGGTTGCGCACGGAGCCCTGGCGGCTGCTGAAG-3'
Protein context (NP_065863.2, residues 569-589): NLAVRVQYMT[Gly579=]EDPSQALPVI